The following is an entry in ClinVar:

NM_022124.6(CDH23):c.6712G>A (p.Gly2238Arg)

Gene: CDH23 (cadherin related 23; plus strand). Cytogenetic location: 10q22.1.
Variant type: single nucleotide variant.
Coding change: c.6712G>A on transcript NM_022124.6 (MANE Select); coding-DNA position 6712, G replaced by A.
Protein change: p.Gly2238Arg; replaces glycine 2238 with arginine.
Molecular consequence: missense variant.
Genome position (GRCh38, 1-based): chr10:71,793,640, G>A. VCF-style: chr10-71793640-G-A. GRCh37 (hg19) VCF-style: chr10-73553397-G-A.
Other names: short protein forms G2238R.
Identifiers: ClinVar variation 1511727 (VCV001511727.6), dbSNP rs1841325853, ClinGen allele CA377155630.
Genomic context (GRCh38, chr10:71,793,640, plus strand): 5'-GACGACACTGATCGCCTGGTGCCCAACCAGGAGGACGCCTTTGCTGTGAATATCAACACA[G>A]GTACAAGGGCCTGCACCCCTCCCACCTCCCTCCCAGCTCCCAGTCCTGTCTCCTCGCTCC-3'
Protein context (NP_071407.4, residues 2228-2248): EDAFAVNINT[Gly2238Arg]SVMVKSPMNR

ClinVar aggregate classification (germline): Uncertain significance (1 of 4 stars; one submission).

gnomAD v4.1: 2 of 1,573,382 alleles (0.00013%); highest among the groups gnomAD compares: South Asian, 0.0024%; no homozygotes.

Submission:

Labcorp Genetics (formerly Invitae), Labcorp
Classification: Uncertain significance. Last evaluated: 2023-05-08. Review status: criteria provided, single submitter. Criteria: Invitae Variant Classification Sherloc (09022015). Collection method: clinical testing. Allele origin: germline.
Comment: This variant is not present in population databases (gnomAD no frequency). This sequence change replaces glycine, which is neutral and non-polar, with arginine, which is basic and polar, at codon 2238 of the CDH23 protein (p.Gly2238Arg). This variant also falls at the last nucleotide of exon 48, which is part of the consensus splice site for this exon. In summary, the available evidence is currently insufficient to determine the role of this variant in disease. Therefore, it has been classified as a Variant of Uncertain Significance. Variants that disrupt the consensus splice site are a relatively common cause of aberrant splicing (PMID: 17576681, 9536098). Algorithms developed to predict the effect of sequence changes on RNA splicing suggest that this variant may disrupt the consensus splice site. Experimental studies and prediction algorithms are not available or were not evaluated, and the functional significance of this variant is currently unknown. ClinVar contains an entry for this variant (Variation ID: 1511727). This missense change has been observed in individual(s) with Usher syndrome (Invitae).

Literature cited by the submitters: PubMed 17576681; PubMed 9536098.